The following is an entry in ClinVar:

NM_000051.4(ATM):c.5082A>C (p.Ala1694=)

Gene: ATM (ATM serine/threonine kinase; plus strand). Cytogenetic location: 11q22.3.
Variant type: single nucleotide variant.
Coding change: c.5082A>C on transcript NM_000051.4 (MANE Select); coding-DNA position 5082, A replaced by C.
Protein change: p.Ala1694=; no amino-acid change (alanine 1694 retained).
Molecular consequence: synonymous variant.
Genome position (GRCh38, 1-based): chr11:108,299,790, A>C. VCF-style: chr11-108299790-A-C. GRCh37 (hg19) VCF-style: chr11-108170517-A-C.
Other names: c.5082A>C, p.Ala1694= (NM_001351834.2).
Identifiers: ClinVar variation 3254143 (VCV003254143.2), dbSNP rs778014234.

ClinVar aggregate classification (germline): Benign/Likely benign. Review status: criteria provided, multiple submitters, no conflicts (2 of 4 stars). 2 submissions from 2 submitters: Benign (1); Likely benign (1). Last evaluated 2025-07-24.

Conditions:
Familial cancer of breast. Also called: BREAST CANCER, FAMILIAL; Hereditary breast cancer; hereditary breast carcinoma. Identifiers: Orphanet 227535, MedGen C0346153, MONDO:0016419, OMIM 114480. Disease mechanism: loss of function.
Hereditary cancer-predisposing syndrome. Also called: Hereditary Cancer Syndrome; Tumor predisposition; Hereditary neoplastic syndrome; Neoplastic Syndromes, Hereditary. Identifiers: Orphanet 140162, MedGen C0027672, MeSH D009386, MONDO:0015356.

Submissions (2):

Ambry Genetics
Classification: Likely benign for Hereditary cancer-predisposing syndrome. Last evaluated: 2025-07-24. Review status: criteria provided, single submitter. Criteria: Ambry Variant Classification Scheme 2023. Collection method: clinical testing. Allele origin: germline.

Myriad Genetics, Inc.
Classification: Benign for Familial cancer of breast. Last evaluated: 2024-05-22. Review status: criteria provided, single submitter. Criteria: Myriad Autosomal Dominant, Autosomal Recessive and X-Linked Classification Criteria (2023). Collection method: clinical testing. Allele origin: unknown.
Comment: This variant is considered benign. This variant is a silent/synonymous amino acid change and it is not expected to impact splicing.